The following is an entry in ClinVar:

ClinVar aggregate classification (germline): Conflicting classifications of pathogenicity. Review status: criteria provided, conflicting classifications (1 of 4 stars). 3 submissions from 3 submitters: Uncertain significance (2); Likely benign (1). Last evaluated 2025-10-01.

Conditions:
Hereditary cancer-predisposing syndrome. Also called: Neoplastic Syndromes, Hereditary; Tumor predisposition; Hereditary neoplastic syndrome; Hereditary Cancer Syndrome. Identifiers: Orphanet 140162, MedGen C0027672, MeSH D009386, MONDO:0015356.
Hereditary breast ovarian cancer syndrome. Also called: Hereditary breast and ovarian cancer syndrome (HBOC); Hereditary breast and ovarian cancer syndrome; Breast and ovarian cancer; Hereditary breast and ovarian cancer; Hereditary breast and/or ovarian cancer syndrome; BRCA1- and BRCA2-Associated Hereditary Breast and Ovarian Cancer. Identifiers: Orphanet 145, MedGen C0677776, MeSH D061325, MONDO:0003582. Disease mechanism: loss of function.

Allele frequency attached by ClinVar (database versions not stated): gnomAD exomes below 0.00001.
gnomAD v4.1: 1 of 1,614,150 alleles (0.000062%); highest among the groups gnomAD compares: South Asian, 0.0011%; no homozygotes.

Submissions (3):

Labcorp Genetics (formerly Invitae), Labcorp
Classification: Uncertain significance for Hereditary breast ovarian cancer syndrome. Last evaluated: 2025-10-01. Review status: criteria provided, single submitter. Criteria: Invitae Variant Classification Sherloc (09022015). Collection method: clinical testing. Allele origin: germline.
Comment: This sequence change replaces asparagine, which is neutral and polar, with lysine, which is basic and polar, at codon 941 of the BRCA1 protein (p.Asn941Lys). This variant is present in population databases (no rsID available, gnomAD 0.003%). This missense change has been observed in individual(s) with clinical features of BRCA1-related conditions (PMID: 21520333). ClinVar contains an entry for this variant (Variation ID: 661501). Invitae Evidence Modeling of protein sequence and biophysical properties (such as structural, functional, and spatial information, amino acid conservation, physicochemical variation, residue mobility, and thermodynamic stability) indicates that this missense variant is not expected to disrupt BRCA1 protein function with a negative predictive value of 80%. In summary, the available evidence is currently insufficient to determine the role of this variant in disease. Therefore, it has been classified as a Variant of Uncertain Significance.

Ambry Genetics
Classification: Uncertain significance for Hereditary cancer-predisposing syndrome. Last evaluated: 2024-09-30. Review status: criteria provided, single submitter. Criteria: Ambry Variant Classification Scheme 2023. Collection method: clinical testing. Allele origin: germline.
Comment: The p.N941K variant (also known as c.2823T>G), located in coding exon 9 of the BRCA1 gene, results from a T to G substitution at nucleotide position 2823. The asparagine at codon 941 is replaced by lysine, an amino acid with similar properties. This amino acid position is conserved. In addition, this alteration is predicted to be tolerated by in silico analysis. Since supporting evidence is limited at this time, the clinical significance of this alteration remains unclear.

University of Washington Department of Laboratory Medicine, University of Washington
Classification: Likely benign for Hereditary cancer-predisposing syndrome. Last evaluated: 2023-03-23. Review status: criteria provided, single submitter. Criteria: Dines et al. (Genet Med. 2020). Collection method: curation. Allele origin: germline.
Comment: Missense variant in a coldspot region where missense variants are very unlikely to be pathogenic (PMID:31911673).

BRCA1 coldspot (exon 11 using historical exon numbering). Reclassification based on statistical prior probability

Literature cited by the submitters: PubMed 21520333 (cited by Labcorp Genetics (formerly Invitae), Labcorp).

NM_007294.4(BRCA1):c.2823T>G (p.Asn941Lys)

Gene: BRCA1 (BRCA1 DNA repair associated; minus strand). Cytogenetic location: 17q21.31.
Variant type: single nucleotide variant.
Coding change: c.2823T>G on transcript NM_007294.4 (MANE Select); coding-DNA position 2823, T replaced by G.
Protein change: p.Asn941Lys; replaces asparagine 941 with lysine.
Molecular consequence: missense variant. On other transcripts: intron variant (137).
Genome position (GRCh38, 1-based): chr17:43,092,708, A>C on the plus strand (T>G on the coding strand, the complement: BRCA1 is on the minus strand). VCF-style: chr17-43092708-A-C. GRCh37 (hg19) VCF-style: chr17-41244725-A-C.
Other names: c.2610T>G, p.Asn870Lys (NM_001407571.1, NM_001407853.1, NM_001407894.1 and 9 more transcripts); c.2823T>G, p.Asn941Lys (NM_001407581.1, NM_001407582.1, NM_001407583.1 and 30 more transcripts); c.2820T>G, p.Asn940Lys (NM_001407587.1, NM_001407590.1, NM_001407591.1 and 22 more transcripts); c.2814T>G, p.Asn938Lys (NM_001407646.1, NM_001407647.1); c.2700T>G, p.Asn900Lys (NM_001407648.1, NM_001407664.1, NM_001407665.1 and 19 more transcripts); c.2697T>G, p.Asn899Lys (NM_001407649.1, NM_001407670.1, NM_001407671.1 and 11 more transcripts); c.2745T>G, p.Asn915Lys (NM_001407653.1, NM_001407654.1, NM_001407655.1 and 4 more transcripts); c.2742T>G, p.Asn914Lys (NM_001407659.1, NM_001407660.1, NM_001407661.1 and 1 more transcripts); and 41 more; short protein forms N894K, N941K, N645K, N814K, N853K, N870K, N938K, N940K.
Identifiers: ClinVar variation 661501 (VCV000661501.15), dbSNP rs1465630651, ClinGen allele CA10596345.